The following is an entry in ClinVar:

ClinVar aggregate classification (germline): Benign/Likely benign. Review status: criteria provided, multiple submitters, no conflicts (2 of 4 stars). 4 submissions from 4 submitters: Benign (1); Likely benign (1). 2 of the submissions do not count toward it. Last evaluated 2026-01-07.

Conditions:
ACACA-related disorder. Also called: ACACA-related condition.

Allele frequency attached by ClinVar (database versions not stated): 1000 Genomes Project 0.00200; 1000 Genomes Project 30x 0.00219; TOPMed 0.00347; gnomAD 0.00386 and 0.00408; ESP Exome Variant Server 0.00400; gnomAD exomes 0.00401; ExAC 0.00424.
gnomAD v4.1: 7,606 of 1,614,038 alleles (0.47%); highest among the groups gnomAD compares: Non-Finnish European, 0.57%; 26 homozygotes.

Submissions (4):

Labcorp Genetics (formerly Invitae), Labcorp
Classification: Benign. Last evaluated: 2026-01-07. Review status: criteria provided, single submitter. Criteria: Invitae Variant Classification Sherloc (09022015). Collection method: clinical testing. Allele origin: germline.

CeGaT Center for Human Genetics Tuebingen
Classification: Likely benign. Last evaluated: 2025-01-01. Review status: criteria provided, single submitter. Criteria: CeGaT Center For Human Genetics Tuebingen Variant Classification Criteria Version 2. Collection method: clinical testing. Allele origin: germline. Affected: yes. Observed: 2 variant alleles.
Comment: ACACA: BP4, BP7, BS2

PreventionGenetics, part of Exact Sciences
Classification: Likely benign for ACACA-related condition. Last evaluated: 2019-03-13. Review status: no assertion criteria provided. Collection method: clinical testing. Allele origin: germline. Not counted in ClinVar's aggregate classification.
Comment: This variant is classified as likely benign based on ACMG/AMP sequence variant interpretation guidelines (Richards et al. 2015 PMID: 25741868, with internal and published modifications).

Mayo Clinic Laboratories, Mayo Clinic
Classification: Likely benign. Last evaluated: 2016-02-29. Review status: no assertion criteria provided. Collection method: clinical testing. Allele origin: unknown. Not counted in ClinVar's aggregate classification.

NM_198834.3(ACACA):c.547C>A (p.Arg183=)

Gene: ACACA (acetyl-CoA carboxylase alpha; minus strand). Cytogenetic location: 17q12.
Variant type: single nucleotide variant.
Coding change: c.547C>A on transcript NM_198834.3 (MANE Select); coding-DNA position 547, C replaced by A.
Protein change: p.Arg183=; no amino-acid change (arginine 183 retained).
Molecular consequence: synonymous variant.
Genome position (GRCh38, 1-based): chr17:37,283,330, G>T on the plus strand (C>A on the coding strand, the complement: ACACA is on the minus strand). VCF-style: chr17-37283330-G-T. GRCh37 (hg19) VCF-style: chr17-35640231-G-T.
Other names: c.436C>A, p.Arg146= (NM_198836.3, NM_198839.3); c.262C>A, p.Arg88= (NM_198837.2); c.202C>A, p.Arg68= (NM_198838.2); c.547C>A (NM_198834.2).
Identifiers: ClinVar variation 559350 (VCV000559350.33), dbSNP rs111441513, ClinGen allele CA8515987.
Genomic context (GRCh38, chr17:37,283,330, plus strand): 5'-CATTGGCTTTAAGGTCTTCAGGTGTGACCATGACAACGAATCTAATTGCACGTTCATTTC[G>T]AAACATTTCATAAGACCACCTACGGATAGACCGCATGCATTTCACTGCTGCAATGCCATT-3'
Protein context (NP_942131.1, residues 173-193): SIRRWSYEMF[Arg183=]NERAIRFVVM